The following is an entry in ClinVar:

ClinVar aggregate classification (germline): Likely benign. Review status: criteria provided, multiple submitters, no conflicts (2 of 4 stars). 2 submissions from 2 submitters: Likely benign (2). Last evaluated 2018-06-14.

Allele frequency attached by ClinVar (database versions not stated): gnomAD 0.02234; TOPMed 0.02517; 1000 Genomes Project 30x 0.03045; 1000 Genomes Project 0.03135.
gnomAD v4.1: 3,360 of 152,270 alleles (2.2%); highest among the groups gnomAD compares: East Asian, 5.4%; 66 homozygotes.

Submissions (4):

GeneDx
Classification: Likely benign. Last evaluated: 2018-06-14. Review status: criteria provided, single submitter. Criteria: GeneDx Variant Classification (06012015). Collection method: clinical testing. Allele origin: germline. Affected: yes.
Comment: This variant is considered likely benign or benign based on one or more of the following criteria: it is a conservative change, it occurs at a poorly conserved position in the protein, it is predicted to be benign by multiple in silico algorithms, and/or has population frequency not consistent with disease.

Breakthrough Genomics
Classification: Likely benign. Review status: criteria provided, single submitter. Criteria: ACMG Guidelines, 2015. Collection method: not provided. Allele origin: germline. Inheritance: Autosomal recessive inheritance. Affected: yes.

Dr. Peter K. Rogan Lab, Western University
No classification provided (evidence only). Condition: Sarcoma. Review status: no classification provided. Collection method: in vitro. Allele origin: not applicable. Functional consequence: retained intron. Not counted in ClinVar's aggregate classification.

Dr. Peter K. Rogan Lab, Western University
No classification provided (evidence only). Condition: Thymoma. Review status: no classification provided. Collection method: in vitro. Allele origin: not applicable. Functional consequence: retained intron. Not counted in ClinVar's aggregate classification.

NM_001457.4(FLNB):c.984+194C>G

Gene: FLNB (filamin B; plus strand). Cytogenetic location: 3p14.3.
Variant type: single nucleotide variant.
Coding change: c.984+194C>G on transcript NM_001457.4 (MANE Select); 194 bases into the intron after coding-DNA position 984, C replaced by G.
Molecular consequence: intron variant.
Genome position (GRCh38, 1-based): chr3:58,096,412, C>G. VCF-style: chr3-58096412-C-G. GRCh37 (hg19) VCF-style: chr3-58082139-C-G.
Other names: NC_000003.11:g.58082139C>G; c.984+194C>G (NM_001164317.2, NM_001164318.2, NM_001164319.2).
Identifiers: ClinVar variation 672726 (VCV000672726.3), dbSNP rs17058819, ClinGen allele CA75441060.